The following is an entry in ClinVar:

NM_020745.4(AARS2):c.922C>A (p.Arg308=)

Gene: AARS2 (alanyl-tRNA synthetase 2, mitochondrial; minus strand). Cytogenetic location: 6p21.1.
Variant type: single nucleotide variant.
Coding change: c.922C>A on transcript NM_020745.4 (MANE Select); coding-DNA position 922, C replaced by A.
Protein change: p.Arg308=; no amino-acid change (arginine 308 retained).
Molecular consequence: synonymous variant.
Genome position (GRCh38, 1-based): chr6:44,307,367, G>T on the plus strand (C>A on the coding strand, the complement: AARS2 is on the minus strand). VCF-style: chr6-44307367-G-T. GRCh37 (hg19) VCF-style: chr6-44275104-G-T.
Identifiers: ClinVar variation 1362060 (VCV001362060.6), dbSNP rs770902982, ClinGen allele CA450391348.

ClinVar aggregate classification (germline): Uncertain significance (1 of 4 stars; one submission).

gnomAD v4.1: 8 of 1,608,672 alleles (0.0005%); highest among the groups gnomAD compares: African/African-American, 0.008%; no homozygotes.

Submission:

Labcorp Genetics (formerly Invitae), Labcorp
Classification: Uncertain significance. Last evaluated: 2021-10-14. Review status: criteria provided, single submitter. Criteria: Invitae Variant Classification Sherloc (09022015). Collection method: clinical testing. Allele origin: germline.
Comment: This sequence change affects codon 308 of the AARS2 mRNA. It is a 'silent' change, meaning that it does not change the encoded amino acid sequence of the AARS2 protein. This variant is not present in population databases (ExAC no frequency). This variant has not been reported in the literature in individuals affected with AARS2-related conditions. Algorithms developed to predict the effect of sequence changes on RNA splicing suggest that this variant may create or strengthen a splice site. In summary, the available evidence is currently insufficient to determine the role of this variant in disease. Therefore, it has been classified as a Variant of Uncertain Significance.